The following is an entry in ClinVar:

NM_005869.4(CWC27):c.763G>A (p.Ala255Thr)

Gene: CWC27 (CWC27 spliceosome associated cyclophilin; plus strand). Cytogenetic location: 5q12.3.
Variant type: single nucleotide variant.
Coding change: c.763G>A on transcript NM_005869.4 (MANE Select); coding-DNA position 763, G replaced by A.
Protein change: p.Ala255Thr; replaces alanine 255 with threonine.
Molecular consequence: missense variant.
Genome position (GRCh38, 1-based): chr5:64,801,315, G>A. VCF-style: chr5-64801315-G-A. GRCh37 (hg19) VCF-style: chr5-64097142-G-A.
Other names: c.763G>A, p.Ala255Thr (NM_001297644.1, NM_001297645.2, NM_001318000.2 and 1 more transcripts); short protein forms A255T.
Identifiers: ClinVar variation 2104347 (VCV002104347.4), dbSNP rs2531292079, ClinGen allele CA359832588.

ClinVar aggregate classification (germline): Uncertain significance (1 of 4 stars; one submission).

Submission:

Labcorp Genetics (formerly Invitae), Labcorp
Classification: Uncertain significance. Last evaluated: 2022-02-28. Review status: criteria provided, single submitter. Criteria: Invitae Variant Classification Sherloc (09022015). Collection method: clinical testing. Allele origin: germline.
Comment: In summary, the available evidence is currently insufficient to determine the role of this variant in disease. Therefore, it has been classified as a Variant of Uncertain Significance. Algorithms developed to predict the effect of missense changes on protein structure and function output the following: SIFT: "Tolerated"; PolyPhen-2: "Benign"; Align-GVGD: "Class C0". The threonine amino acid residue is found in multiple mammalian species, which suggests that this missense change does not adversely affect protein function. This variant has not been reported in the literature in individuals affected with CWC27-related conditions. This variant is not present in population databases (gnomAD no frequency). This sequence change replaces alanine, which is neutral and non-polar, with threonine, which is neutral and polar, at codon 255 of the CWC27 protein (p.Ala255Thr).